The following is an entry in ClinVar:

NM_003184.4(TAF2):c.1684-2del

Gene: TAF2 (TATA-box binding protein associated factor 2; minus strand). Cytogenetic location: 8q24.12.
Variant type: Deletion.
Coding change: c.1684-2del on transcript NM_003184.4 (MANE Select); the canonical splice acceptor site of the intron before coding-DNA position 1684, one base deleted (A; older notation c.1684-2delA).
Molecular consequence: splice acceptor variant.
Genome position (GRCh38, 1-based): chr8:119,788,449, T deleted on the plus strand (A on the coding strand, the reverse complement: TAF2 is on the minus strand); the first of 4 consecutive T bases (chr8:119,788,449-119,788,452); deleting any one gives the same sequence. VCF-style (leftmost placement, unchanged base first): chr8-119788448-CT-C. GRCh37 (hg19) VCF-style: chr8-120800688-CT-C.
Other names: c.1684-2del (NM_001437339.1, NM_001438084.1, NM_001437338.1); c.1684-2delA (NM_003184.4).
Identifiers: ClinVar variation 4687281 (VCV004687281.1).

ClinVar aggregate classification (germline): Uncertain significance (1 of 4 stars; one submission).

Submission:

Women's Health and Genetics/Laboratory Corporation of America, LabCorp
Classification: Uncertain significance. Last evaluated: 2025-10-15. Review status: criteria provided, single submitter. Criteria: LabCorp Variant Classification Summary - May 2015. Collection method: clinical testing. Allele origin: germline.
Comment: Variant summary: TAF2 c.1684-2delA alters a non-conserved nucleotide located close to a canonical splice site and therefore could affect mRNA splicing, leading to a significantly altered protein sequence. However, the nucleotide in the -3 position is also an A, resulting in preservation of the canonical splice site sequence. Consensus agreement among computation tools predict no significant impact on normal splicing. However, these predictions have yet to be confirmed by functional studies. The frequency data for this variant in gnomAD is considered unreliable, as metrics indicate poor data quality at this position. To our knowledge, no occurrence of c.1684-2delA in individuals affected with TAF2-related conditions and no experimental evidence demonstrating its impact on protein function have been reported. No submitters have cited clinical-significance assessments for this variant to ClinVar. Based on the evidence outlined above, the variant was classified as uncertain significance.